The following is an entry in ClinVar:

NM_018100.4(EFHC1):c.742A>G (p.Ile248Val)

Gene: EFHC1 (EF-hand domain containing 1; plus strand). Cytogenetic location: 6p12.2.
Variant type: single nucleotide variant.
Coding change: c.742A>G on transcript NM_018100.4 (MANE Select); coding-DNA position 742, A replaced by G.
Protein change: p.Ile248Val; replaces isoleucine 248 with valine.
Molecular consequence: missense variant. On other transcripts: non-coding transcript variant (1).
Genome position (GRCh38, 1-based): chr6:52,454,113, A>G. VCF-style: chr6-52454113-A-G. GRCh37 (hg19) VCF-style: chr6-52318911-A-G.
Other names: c.685A>G, p.Ile229Val (NM_001172420.2); short protein forms I229V, I248V.
Identifiers: ClinVar variation 837595 (VCV000837595.13), dbSNP rs780571007, ClinGen allele CA3855913.
Genomic context (GRCh38, chr6:52,454,113, plus strand): 5'-TACTTTTAGGATTCTTGAGTCACTACTTTGGATTCTTCAAAGGTCCTTCGATTCTATGCA[A>G]TCTGGGATGATACAGACAGCATGTATGGTGAATGTCGGACCTACATCATTCATTACTATC-3'
Protein context (NP_060570.2, residues 238-258): FDKQVLRFYA[Ile248Val]WDDTDSMYGE

ClinVar aggregate classification (germline): Uncertain significance. Review status: criteria provided, multiple submitters, no conflicts (2 of 4 stars). 2 submissions from 2 submitters: Uncertain significance (2). Last evaluated 2022-05-06.

Conditions:
Myoclonic epilepsy, juvenile, susceptibility to, 1. Also called: Myoclonic Epilepsy, Juvenile, 1; EJM1. Identifiers: MedGen C1850778, MONDO:0020752, OMIM 254770.
Epilepsy, juvenile absence, susceptibility to, 1 (EJA1). Identifiers: MedGen C2750892, MONDO:0020772, OMIM 607631.
Absence seizure. Also called: Absence epilepsy. Identifiers: Orphanet 1941, MedGen C0014553.

Allele frequency attached by ClinVar (database versions not stated): ExAC 0.00002; gnomAD exomes 0.00002 and 0.00003; gnomAD 0.00005 and 0.00006; TOPMed 0.00005.
gnomAD v4.1: 31 of 1,613,544 alleles (0.0019%); highest among the groups gnomAD compares: Admixed American, 0.0033%; no homozygotes.

Submissions (3):

Labcorp Genetics (formerly Invitae), Labcorp
Classification: Uncertain significance for Myoclonic epilepsy, juvenile, susceptibility to, 1; Absence seizure. Last evaluated: 2022-05-06. Review status: criteria provided, single submitter. Criteria: Invitae Variant Classification Sherloc (09022015). Collection method: clinical testing. Allele origin: germline.
Comment: This sequence change replaces isoleucine, which is neutral and non-polar, with valine, which is neutral and non-polar, at codon 248 of the EFHC1 protein (p.Ile248Val). This variant is present in population databases (rs780571007, gnomAD 0.008%). This variant has not been reported in the literature in individuals affected with EFHC1-related conditions. ClinVar contains an entry for this variant (Variation ID: 837595). Algorithms developed to predict the effect of missense changes on protein structure and function output the following: SIFT: "Tolerated"; PolyPhen-2: "Benign"; Align-GVGD: "Class C0". The valine amino acid residue is found in multiple mammalian species, which suggests that this missense change does not adversely affect protein function. Algorithms developed to predict the effect of sequence changes on RNA splicing suggest that this variant may create or strengthen a splice site. In summary, the available evidence is currently insufficient to determine the role of this variant in disease. Therefore, it has been classified as a Variant of Uncertain Significance.

Department of Pathology and Laboratory Medicine, Sinai Health System
Classification: Uncertain significance for Myoclonic epilepsy, juvenile, susceptibility to, 1; Epilepsy, juvenile absence, susceptibility to, 1. Last evaluated: 2022-04-07. Review status: criteria provided, single submitter. Criteria: ACMG Guidelines, 2015. Collection method: research. Allele origin: germline.

Dr. Peter K. Rogan Lab, Western University
No classification provided (evidence only). Condition: Malignant tumor of esophagus. Review status: no classification provided. Collection method: in vitro. Allele origin: not applicable. Functional consequence: retained intron. Not counted in ClinVar's aggregate classification.